The following is an entry in ClinVar:

ClinVar aggregate classification (germline): Uncertain significance (1 of 4 stars; one submission).

Submission:

Women's Health and Genetics/Laboratory Corporation of America, LabCorp
Classification: Uncertain significance. Last evaluated: 2026-04-14. Review status: criteria provided, single submitter. Criteria: LabCorp Variant Classification Summary - May 2015. Collection method: clinical testing. Allele origin: germline.
Comment: Variant summary: The variant involves the duplication of exons 14-22 in the PDE6A gene. A presumed nomenclature of c.(1728+1_1729-1)_(*2943_?)dup has been designated for the purposes of this classification. The exact breakpoint at the 3' end of this variant is unknown, therefore this duplication may extend downstream of the annotated region of the gene. As it duplicates the termination codon, its effect on the encoded protein is unknown. The variant was absent in 21694 control chromosomes. The available data on variant occurrences in the general population are insufficient to allow any conclusion about variant significance. To our knowledge, no occurrence of c.(1728+1_1729-1)_(*2943_?)dup in individuals affected with PDE6A-related conditions and no experimental evidence demonstrating its impact on protein function have been reported. ClinVar contains an entry for this variant (Variation ID: 1062412, 833407). Based on the evidence outlined above, the variant was classified as uncertain significance.

NC_000005.9:g.(?_149237515)_(149265938_149274745)dup

Gene: PDE6A (phosphodiesterase 6A; minus strand). Cytogenetic location: 5q32.
Variant type: Duplication.
Identifiers: ClinVar variation 4848622 (VCV004848622.1).